The following is an entry in ClinVar:

NM_001330700.2(TOP2B):c.3871T>A (p.Leu1291Met)

Gene: TOP2B (DNA topoisomerase II beta; minus strand). Cytogenetic location: 3p24.2.
Variant type: single nucleotide variant.
Coding change: c.3871T>A on transcript NM_001330700.2 (MANE Select); coding-DNA position 3871, T replaced by A.
Protein change: p.Leu1291Met; replaces leucine 1291 with methionine.
Molecular consequence: missense variant.
Genome position (GRCh38, 1-based): chr3:25,609,628, A>T on the plus strand (T>A on the coding strand, the complement: TOP2B is on the minus strand). VCF-style: chr3-25609628-A-T. GRCh37 (hg19) VCF-style: chr3-25651119-A-T.
Other names: c.3856T>A, p.Leu1286Met (NM_001068.3); short protein forms L1286M, L1291M.
Identifiers: ClinVar variation 1720592 (VCV001720592.5), dbSNP rs2529880302, ClinGen allele CA351894302.

ClinVar aggregate classification (germline): Uncertain significance (1 of 4 stars; one submission).

Submission:

Labcorp Genetics (formerly Invitae), Labcorp
Classification: Uncertain significance. Last evaluated: 2022-09-28. Review status: criteria provided, single submitter. Criteria: Invitae Variant Classification Sherloc (09022015). Collection method: clinical testing. Allele origin: germline.
Comment: This sequence change replaces leucine, which is neutral and non-polar, with methionine, which is neutral and non-polar, at codon 1286 of the TOP2B protein (p.Leu1286Met). This variant is not present in population databases (gnomAD no frequency). This variant has not been reported in the literature in individuals affected with TOP2B-related conditions. Algorithms developed to predict the effect of missense changes on protein structure and function (SIFT, PolyPhen-2, Align-GVGD) all suggest that this variant is likely to be tolerated. In summary, the available evidence is currently insufficient to determine the role of this variant in disease. Therefore, it has been classified as a Variant of Uncertain Significance.